The following is an entry in ClinVar:

ClinVar aggregate classification (germline): Likely benign (1 of 4 stars; one submission).

Allele frequency attached by ClinVar (database versions not stated): gnomAD 0.00001.
gnomAD v4.1: 7 of 1,613,100 alleles (0.00043%); highest among the groups gnomAD compares: Middle Eastern, 0.05%; no homozygotes.

Submission:

CeGaT Center for Human Genetics Tuebingen
Classification: Likely benign. Last evaluated: 2022-09-01. Review status: criteria provided, single submitter. Criteria: CeGaT Center For Human Genetics Tuebingen Variant Classification Criteria Version 2. Collection method: clinical testing. Allele origin: germline. Affected: yes. Observed: 2 variant alleles.
Comment: CELSR1: BP4, BP7

NM_001378328.1(CELSR1):c.7641C>T (p.Ala2547=)

Gene: CELSR1 (cadherin EGF LAG seven-pass G-type receptor 1; minus strand). Cytogenetic location: 22q13.31.
Variant type: single nucleotide variant.
Coding change: c.7641C>T on transcript NM_001378328.1 (MANE Select); coding-DNA position 7641, C replaced by T.
Protein change: p.Ala2547=; no amino-acid change (alanine 2547 retained).
Molecular consequence: synonymous variant.
Genome position (GRCh38, 1-based): chr22:46,373,001, G>A on the plus strand (C>T on the coding strand, the complement: CELSR1 is on the minus strand). VCF-style: chr22-46373001-G-A. GRCh37 (hg19) VCF-style: chr22-46768898-G-A.
Other names: c.7641C>T, p.Ala2547= (NM_014246.4).
Identifiers: ClinVar variation 2653314 (VCV002653314.24), dbSNP rs866723729, ClinGen allele CA325146588.